The following is an entry in ClinVar:

NM_173628.4(DNAH17):c.7012G>A (p.Val2338Met)

Genes: DNAH17 (dynein axonemal heavy chain 17; minus strand), DNAH17-AS1 (DNAH17 antisense RNA 1; plus strand). Cytogenetic location: 17q25.3.
Variant type: single nucleotide variant.
Coding change: c.7012G>A on transcript NM_173628.4 (MANE Select); coding-DNA position 7012, G replaced by A.
Protein change: p.Val2338Met; replaces valine 2338 with methionine.
Molecular consequence: missense variant.
Genome position (GRCh38, 1-based): chr17:78,486,313, C>T on the plus strand (G>A on the coding strand, the complement: DNAH17 is on the minus strand). VCF-style: chr17-78486313-C-T. GRCh37 (hg19) VCF-style: chr17-76482395-C-T.
Other names: short protein forms V2338M.
Identifiers: ClinVar variation 2290174 (VCV002290174.3), dbSNP rs200746829, ClinGen allele CA8802523.

ClinVar aggregate classification (germline): Uncertain significance. Review status: criteria provided, multiple submitters, no conflicts (2 of 4 stars). 2 submissions from 2 submitters: Uncertain significance (2). Last evaluated 2026-04-14.

Conditions:
Inborn genetic diseases. Identifiers: MedGen C0950123, MeSH D030342.

Allele frequency attached by ClinVar (database versions not stated): TOPMed 0.00018; gnomAD 0.00024; ExAC 0.00036.
gnomAD v4.1: 522 of 1,613,348 alleles (0.032%); highest among the groups gnomAD compares: Non-Finnish European, 0.037%; no homozygotes.

Submissions (2):

GeneDx
Classification: Uncertain significance. Last evaluated: 2026-04-14. Review status: criteria provided, single submitter. Criteria: GeneDx Variant Classification Process June 2021. Collection method: clinical testing. Allele origin: germline.
Comment: In silico analysis supports that this missense variant has a deleterious effect on protein structure/function; Has not been previously published as pathogenic or benign to our knowledge

Ambry Genetics
Classification: Uncertain significance for Inborn genetic diseases. Last evaluated: 2021-08-12. Review status: criteria provided, single submitter. Criteria: Ambry Variant Classification Scheme 2023. Collection method: clinical testing. Allele origin: germline.